The following is an entry in ClinVar:

ClinVar aggregate classification (germline): Uncertain significance (1 of 4 stars; one submission).

Conditions:
Holoprosencephaly 3 (HPE3). Identifiers: Orphanet 2162, MedGen C1840529, MONDO:0007733, OMIM 142945.

Submission:

Labcorp Genetics (formerly Invitae), Labcorp
Classification: Uncertain significance for Holoprosencephaly 3. Last evaluated: 2025-12-22. Review status: criteria provided, single submitter. Criteria: Invitae Variant Classification Sherloc (09022015). Collection method: clinical testing. Allele origin: germline.
Comment: This variant occurs in the SHH gene, which encodes an RNA molecule that does not result in a protein product. This variant is not present in population databases (gnomAD no frequency). This variant has not been reported in the literature in individuals affected with SHH-related conditions. Experimental studies and prediction algorithms are not available or were not evaluated, and the functional significance of this variant is currently unknown. In summary, the available evidence is currently insufficient to determine the role of this variant in disease. Therefore, it has been classified as a Variant of Uncertain Significance.

NC_000007.14:g.156789532T>C

Genes: LMBR1 (limb development membrane protein 1; minus strand), SHH (sonic hedgehog signaling molecule; minus strand). Cytogenetic location: 7q36.3.
Variant type: single nucleotide variant.
Molecular consequence: intron variant (on NM_022458.4).
Genome position: GRCh38 VCF-style: chr7-156789532-T-C. GRCh37 (hg19) VCF-style: chr7-156582226-T-C.
Other names: c.360+6857A>G (NM_001363412.2); c.144+6857A>G (NM_001350954.2); c.423+6857A>G (NM_001363410.2, NM_022458.4, NM_001363409.2 and 1 more transcripts); c.-112+6857A>G (NM_001350958.2, NM_001350956.2, NM_001350955.2 and 1 more transcripts); c.54+6857A>G (NM_001350957.2, NM_001363411.2).
Identifiers: ClinVar variation 3679569 (VCV003679569.2).